The following is an entry in ClinVar:

NM_024675.4(PALB2):c.3286_3289delinsGTTAATGA (p.Asn1096fs)

Gene: PALB2 (partner and localizer of BRCA2; minus strand). Cytogenetic location: 16p12.2.
Variant type: Indel.
Coding change: c.3286_3289delinsGTTAATGA on transcript NM_024675.4 (MANE Select); coding-DNA positions 3286 to 3289, AACC replaced by GTTAATGA.
Protein change: p.Asn1096fs; shifts the reading frame from asparagine 1096.
Molecular consequence: frameshift variant.
Genome position (GRCh38, 1-based): chr16:23,607,925-23,607,928, GGTT replaced by TCATTAAC on the plus strand (AACC replaced by GTTAATGA on the coding strand, the reverse complement: PALB2 is on the minus strand). VCF-style: chr16-23607925-GGTT-TCATTAAC. GRCh37 (hg19) VCF-style: chr16-23619246-GGTT-TCATTAAC.
Other names: c.3286_3289delAACCinsGTTAATGA (NM_024675.3); short protein forms N1096fs.
Identifiers: ClinVar variation 220310 (VCV000220310.31), dbSNP rs587782337, ClinGen allele CA350767.

ClinVar aggregate classification (germline): Pathogenic. Review status: criteria provided, multiple submitters, no conflicts (2 of 4 stars). 8 submissions from 8 submitters: Pathogenic (8). Last evaluated 2026-04-23.

Conditions:
Hereditary cancer-predisposing syndrome. Also called: Neoplastic Syndromes, Hereditary; Hereditary Cancer Syndrome; Tumor predisposition; Hereditary neoplastic syndrome. Identifiers: Orphanet 140162, MedGen C0027672, MeSH D009386, MONDO:0015356.
Hereditary breast ovarian cancer syndrome. Also called: Hereditary breast and ovarian cancer; BRCA1- and BRCA2-Associated Hereditary Breast and Ovarian Cancer; Hereditary breast and ovarian cancer syndrome; Hereditary breast and ovarian cancer syndrome (HBOC); Breast and ovarian cancer; Hereditary breast and/or ovarian cancer syndrome. Identifiers: Orphanet 145, MedGen C0677776, MeSH D061325, MONDO:0003582. Disease mechanism: loss of function.
Familial cancer of breast. Also called: hereditary breast carcinoma; BREAST CANCER, FAMILIAL; Hereditary breast cancer. Identifiers: Orphanet 227535, MedGen C0346153, MONDO:0016419, OMIM 114480. Disease mechanism: loss of function.

Submissions (8):

Ambry Genetics
Classification: Pathogenic for Hereditary cancer-predisposing syndrome. Last evaluated: 2026-04-23. Review status: criteria provided, single submitter. Criteria: Ambry Variant Classification Scheme 2023. Collection method: clinical testing. Allele origin: germline.
Comment: The c.3286_3289delAACCinsGTTAATGA (p.N1096Vfs*4) alteration, located in exon 12 (coding exon 12) of the PALB2 gene, consists of an deletion of 4 and insertion of 8 nucleotides causing a translational frameshift at position 3286 with a predicted alternate stop codon after 4 amino acids. This alteration occurs at the 3' terminus of the PALB2 gene, is not expected to trigger nonsense-mediated mRNA decay, and impacts the last 7.7% of the protein. However, premature stop codons are typically deleterious in nature, the impacted region is critical for protein function, and a significant portion of the protein is affected (Ambry internal data). This variant was not reported in population-based cohorts in the Genome Aggregation Database (gnomAD). Based on the available evidence, this alteration is classified as pathogenic.

Labcorp Genetics (formerly Invitae), Labcorp
Classification: Pathogenic for Familial cancer of breast. Last evaluated: 2025-11-10. Review status: criteria provided, single submitter. Criteria: Invitae Variant Classification Sherloc (09022015). Collection method: clinical testing. Allele origin: germline.
Comment: This sequence change creates a premature translational stop signal (p.Asn1096Valfs*4) in the PALB2 gene. It is expected to result in an absent or disrupted protein product. Loss-of-function variants in PALB2 are known to be pathogenic (PMID: 17200668, 17200671, 17200672, 24136930, 25099575). Information on the frequency of this variant in the gnomAD database is not available, as this variant may be reported differently in the database. This variant has not been reported in the literature in individuals affected with PALB2-related conditions. Studies have shown that this premature translational stop signal is associated with inconclusive levels of altered splicing (internal data). For these reasons, this variant has been classified as Pathogenic.

Color Diagnostics, LLC DBA Color Health
Classification: Pathogenic for Hereditary cancer-predisposing syndrome. Last evaluated: 2025-10-15. Review status: criteria provided, single submitter. Criteria: ACMG Guidelines, 2015. Collection method: clinical testing. Allele origin: germline.
Comment: This variant causes a replacement of 4 nucleotides at c.3286_3289 positions in exon 12 of the PALB2 gene with GTTAATGA, creating a frameshift and premature translation stop signal. This variant is expected to truncate the carboxyl terminus of the protein that functions in BRCA2 and RAD-51 interactions (PMID: 25833843) and may trigger nonsense-mediated decay. This variant is expected to result in an absent or non-functional protein product. To our knowledge, functional studies have not been reported for this variant nor has this variant been reported in individuals affected with hereditary cancer in the literature. However, other truncations at the carboxyl terminus of PALB2 after the position of this variant have been reported in at least 20 individuals and families affected breast and/or ovarian cancer (PMID: 17200668, 25099575, 25452441, 26315354, 28281021) and in compound heterozygous carriers affected with Fanconi anemia (PMID: 17200671). This variant has not been identified in the general population by the Genome Aggregation Database (gnomAD). Loss of PALB2 function is a known mechanism of disease. Based on the available evidence, this variant is classified as Pathogenic.

GeneDx
Classification: Pathogenic. Last evaluated: 2025-09-26. Review status: criteria provided, single submitter. Criteria: GeneDx Variant Classification Process June 2021. Collection method: clinical testing. Allele origin: germline. Affected: yes.
Comment: Reported in the literature in individuals referred for hereditary cancer testing (PMID: 24763289); Frameshift variant predicted to result in protein truncation in a gene for which loss of function is a known mechanism of disease; Truncating variants in this gene are considered pathogenic by a well-established clinical consortium and/or database; Not observed at significant frequency in large population cohorts (gnomAD); This variant is associated with the following publications: (PMID: 24485656, 19609323, 20871615, 24763289)

Baylor Genetics
Classification: Pathogenic for Familial cancer of breast. Last evaluated: 2024-01-31. Review status: criteria provided, single submitter. Criteria: ACMG Guidelines, 2015. Collection method: clinical testing. Allele origin: unknown.

Myriad Genetics, Inc.
Classification: Pathogenic for Familial cancer of breast. Last evaluated: 2023-09-14. Review status: criteria provided, single submitter. Criteria: Myriad Autosomal Dominant, Autosomal Recessive and X-Linked Classification Criteria (2023). Collection method: clinical testing. Allele origin: unknown.
Comment: This variant is considered pathogenic. This variant creates a frameshift predicted to result in premature protein truncation.

Quest Diagnostics Nichols Institute San Juan Capistrano
Classification: Pathogenic. Last evaluated: 2023-06-14. Review status: criteria provided, single submitter. Criteria: Quest Diagnostics criteria. Collection method: clinical testing. Allele origin: unknown.
Comment: This variant alters the translational reading frame of the PALB2 mRNA and causes the premature termination of PALB2 protein synthesis. In the published literature, this variant has been reported in an individual with an individual with a hereditary breast and ovarian cancer (HBOC) syndrome related disorder (PMID: 24763289 (2014)). This variant has not been reported in large, multi-ethnic general populations (Genome Aggregation Database). Based on the available information, this variant is classified as pathogenic.

Women's Health and Genetics/Laboratory Corporation of America, LabCorp
Classification: Pathogenic for Hereditary breast ovarian cancer syndrome. Last evaluated: 2023-01-03. Review status: criteria provided, single submitter. Criteria: LabCorp Variant Classification Summary - May 2015. Collection method: clinical testing. Allele origin: germline.
Comment: Variant summary: PALB2 c.3286_3289delinsGTTAATGA (p.Asn1096ValfsX4) results in a premature termination codon, predicted to cause a truncation of the encoded protein or absence of the protein due to nonsense mediated decay, which are commonly known mechanisms for disease. Truncations downstream of this position have been classified as pathogenic by our laboratory. The variant was absent in 251488 control chromosomes. c.3286_3289delinsGTTAATGA has been reported in the literature in individuals affected with Hereditary Breast And Ovarian Cancer Syndrome (LaDuca_2014). This report does not provide unequivocal conclusions about association of the variant with Hereditary Breast And Ovarian Cancer Syndrome. To our knowledge, no experimental evidence demonstrating an impact on protein function has been reported. Five clinical diagnostic laboratories have submitted clinical-significance assessments for this variant to ClinVar after 2014 and classified the variant as pathogenic. Based on the evidence outlined above, the variant was classified as pathogenic.

Literature cited by the submitters: PubMed 17200668 (cited by Labcorp Genetics (formerly Invitae), Labcorp and Color Diagnostics, LLC DBA Color Health); PubMed 17200671 (cited by Labcorp Genetics (formerly Invitae), Labcorp and Color Diagnostics, LLC DBA Color Health); PubMed 17200672 (cited by Labcorp Genetics (formerly Invitae), Labcorp); PubMed 24136930 (cited by Labcorp Genetics (formerly Invitae), Labcorp); PubMed 25099575 (cited by Labcorp Genetics (formerly Invitae), Labcorp and Color Diagnostics, LLC DBA Color Health); PubMed 25452441 (cited by Color Diagnostics, LLC DBA Color Health); PubMed 25833843 (cited by Color Diagnostics, LLC DBA Color Health); PubMed 26315354 (cited by Color Diagnostics, LLC DBA Color Health); PubMed 28281021 (cited by Color Diagnostics, LLC DBA Color Health); PubMed 24763289 (cited by Quest Diagnostics Nichols Institute San Juan Capistrano and Women's Health and Genetics/Laboratory Corporation of America, LabCorp).